The following is an entry in ClinVar:

NM_006563.5(KLF1):c.1057C>T (p.His353Tyr)

Gene: KLF1 (KLF transcription factor 1; minus strand). Cytogenetic location: 19p13.13.
Variant type: single nucleotide variant.
Coding change: c.1057C>T on transcript NM_006563.5 (MANE Select); coding-DNA position 1057, C replaced by T.
Protein change: p.His353Tyr; replaces histidine 353 with tyrosine.
Molecular consequence: missense variant.
Genome position (GRCh38, 1-based): chr19:12,884,917, G>A on the plus strand (C>T on the coding strand, the complement: KLF1 is on the minus strand). VCF-style: chr19-12884917-G-A. GRCh37 (hg19) VCF-style: chr19-12995731-G-A.
Other names: short protein forms H353Y.
Identifiers: ClinVar variation 3678799 (VCV003678799.2).

ClinVar aggregate classification (germline): Uncertain significance (1 of 4 stars; one submission).

gnomAD v4.1: 4 of 1,613,826 alleles (0.00025%); highest among the groups gnomAD compares: Non-Finnish European, 0.00034%; no homozygotes.

Submission:

Labcorp Genetics (formerly Invitae), Labcorp
Classification: Uncertain significance. Last evaluated: 2024-08-10. Review status: criteria provided, single submitter. Criteria: Invitae Variant Classification Sherloc (09022015). Collection method: clinical testing. Allele origin: germline.
Comment: This sequence change replaces histidine, which is basic and polar, with tyrosine, which is neutral and polar, at codon 353 of the KLF1 protein (p.His353Tyr). This variant is present in population databases (no rsID available, gnomAD 0.002%). This variant has not been reported in the literature in individuals affected with KLF1-related conditions. Invitae Evidence Modeling of protein sequence and biophysical properties (such as structural, functional, and spatial information, amino acid conservation, physicochemical variation, residue mobility, and thermodynamic stability) indicates that this missense variant is expected to disrupt KLF1 protein function with a positive predictive value of 80%. In summary, the available evidence is currently insufficient to determine the role of this variant in disease. Therefore, it has been classified as a Variant of Uncertain Significance.